The following is an entry in ClinVar:

NM_006767.4(LZTR1):c.1601A>G (p.Lys534Arg)

Gene: LZTR1 (leucine zipper like post translational regulator 1; plus strand). Cytogenetic location: 22q11.21.
Variant type: single nucleotide variant.
Coding change: c.1601A>G on transcript NM_006767.4 (MANE Select); coding-DNA position 1601, A replaced by G.
Protein change: p.Lys534Arg; replaces lysine 534 with arginine.
Molecular consequence: missense variant.
Genome position (GRCh38, 1-based): chr22:20,994,255, A>G. VCF-style: chr22-20994255-A-G. GRCh37 (hg19) VCF-style: chr22-21348544-A-G.
Other names: short protein forms K534R.
Identifiers: ClinVar variation 2825613 (VCV002825613.3), dbSNP rs2518621114, ClinGen allele CA410776208.

ClinVar aggregate classification (germline): Uncertain significance (1 of 4 stars; one submission).

Submission:

Labcorp Genetics (formerly Invitae), Labcorp
Classification: Uncertain significance. Last evaluated: 2025-09-23. Review status: criteria provided, single submitter. Criteria: Invitae Variant Classification Sherloc (09022015). Collection method: clinical testing. Allele origin: germline.
Comment: This sequence change replaces lysine, which is basic and polar, with arginine, which is basic and polar, at codon 534 of the LZTR1 protein (p.Lys534Arg). This variant is not present in population databases (gnomAD no frequency). This variant has not been reported in the literature in individuals affected with LZTR1-related conditions. ClinVar contains an entry for this variant (Variation ID: 2825613). Invitae Evidence Modeling of protein sequence and biophysical properties (such as structural, functional, and spatial information, amino acid conservation, physicochemical variation, residue mobility, and thermodynamic stability) indicates that this missense variant is not expected to disrupt LZTR1 protein function with a negative predictive value of 80%. In summary, the available evidence is currently insufficient to determine the role of this variant in disease. Therefore, it has been classified as a Variant of Uncertain Significance.